The following is an entry in ClinVar:

ClinVar aggregate classification (germline): Benign/Likely benign. Review status: criteria provided, multiple submitters, no conflicts (2 of 4 stars). 4 submissions from 4 submitters: Benign (1); Likely benign (3). Last evaluated 2025-02-21.

Conditions:
Hereditary cancer-predisposing syndrome. Also called: Tumor predisposition; Neoplastic Syndromes, Hereditary; Hereditary Cancer Syndrome; Hereditary neoplastic syndrome. Identifiers: Orphanet 140162, MedGen C0027672, MeSH D009386, MONDO:0015356.
Breast-ovarian cancer, familial, susceptibility to, 4. Identifiers: Orphanet 145, MedGen C3280345, MONDO:0013669, OMIM 614291.

Allele frequency attached by ClinVar (database versions not stated): gnomAD exomes below 0.00001.
gnomAD v4.1: 2 of 1,614,034 alleles (0.00012%); highest among the groups gnomAD compares: Non-Finnish European, 0.00017%; no homozygotes.

Submissions (4):

Myriad Genetics, Inc.
Classification: Benign for Breast-ovarian cancer, familial, susceptibility to, 4. Last evaluated: 2025-02-21. Review status: criteria provided, single submitter. Criteria: Myriad Autosomal Dominant, Autosomal Recessive and X-Linked Classification Criteria (2023). Collection method: clinical testing. Allele origin: unknown.
Comment: This variant is considered benign. This variant is a silent/synonymous amino acid change and it is not expected to impact splicing.

Labcorp Genetics (formerly Invitae), Labcorp
Classification: Likely benign for Breast-ovarian cancer, familial, susceptibility to, 4. Last evaluated: 2024-03-04. Review status: criteria provided, single submitter. Criteria: Invitae Variant Classification Sherloc (09022015). Collection method: clinical testing. Allele origin: germline.

Color Diagnostics, LLC DBA Color Health
Classification: Likely benign for Hereditary cancer-predisposing syndrome. Last evaluated: 2023-03-15. Review status: criteria provided, single submitter. Criteria: ACMG Guidelines, 2015. Collection method: clinical testing. Allele origin: germline.

Ambry Genetics
Classification: Likely benign for Hereditary cancer-predisposing syndrome. Last evaluated: 2022-03-07. Review status: criteria provided, single submitter. Criteria: Ambry Variant Classification Scheme 2023. Collection method: clinical testing. Allele origin: germline.

NM_002878.4(RAD51D):c.354C>T (p.Leu118=)

Genes: RAD51D (RAD51 paralog D; minus strand), RAD51L3-RFFL (RAD51L3-RFFL readthrough; minus strand). Cytogenetic location: 17q12.
Variant type: single nucleotide variant.
Coding change: c.354C>T on transcript NM_002878.4 (MANE Select); coding-DNA position 354, C replaced by T.
Protein change: p.Leu118=; no amino-acid change (leucine 118 retained).
Molecular consequence: synonymous variant. On other transcripts: non-coding transcript variant (1), intron variant (1).
Genome position (GRCh38, 1-based): chr17:35,107,114, G>A on the plus strand (C>T on the coding strand, the complement: RAD51D is on the minus strand). VCF-style: chr17-35107114-G-A. GRCh37 (hg19) VCF-style: chr17-33434133-G-A.
Other names: c.414C>T, p.Leu138= (NM_001142571.2); c.145-633C>T (NM_133629.3).
Identifiers: ClinVar variation 1159891 (VCV001159891.11), dbSNP rs2142433941, ClinGen allele CA499731756.
Genomic context (GRCh38, chr17:35,107,114, plus strand): 5'-ATTGGAATCTACATATAGGACGTTTTGCTGCAGGCCATGGGCCACATTTGCTGCCATACA[G>A]AGACATACCTGGGGGTGGGGGCATTGGATGAACTTGACACTTCAGAGAGGGTCCAGATGG-3'
Protein context (NP_002869.3, residues 108-128): GPGSGKTQVC[Leu118=]CMAANVAHGL